The following is an entry in ClinVar:

NM_003632.3(CNTNAP1):c.955A>G (p.Asn319Asp)

Gene: CNTNAP1 (contactin associated protein 1; plus strand). Cytogenetic location: 17q21.2.
Variant type: single nucleotide variant.
Coding change: c.955A>G on transcript NM_003632.3 (MANE Select); coding-DNA position 955, A replaced by G.
Protein change: p.Asn319Asp; replaces asparagine 319 with aspartic acid.
Molecular consequence: missense variant.
Genome position (GRCh38, 1-based): chr17:42,686,957, A>G. VCF-style: chr17-42686957-A-G. GRCh37 (hg19) VCF-style: chr17-40838975-A-G.
Other names: short protein forms N319D.
Identifiers: ClinVar variation 1960041 (VCV001960041.5), dbSNP rs2543791238, ClinGen allele CA399637155.
Genomic context (GRCh38, chr17:42,686,957, plus strand): 5'-CCGCAGATGTTCATCGGAGGTCTGGTGGGCGCCGCGCGGAAGAACCTGGCCTATCGGCAT[A>G]ACTTCCGCGGCTGCATAGAAAACGTAATCTTCAACCGCGTCAACATCGCAGACCTGGCCG-3'
Protein context (NP_003623.1, residues 309-329): AARKNLAYRH[Asn319Asp]FRGCIENVIF

ClinVar aggregate classification (germline): Uncertain significance (1 of 4 stars; one submission).

gnomAD v4.1: 1 of 1,613,936 alleles (0.000062%); no homozygotes.

Submission:

Labcorp Genetics (formerly Invitae), Labcorp
Classification: Uncertain significance. Last evaluated: 2024-03-11. Review status: criteria provided, single submitter. Criteria: Invitae Variant Classification Sherloc (09022015). Collection method: clinical testing. Allele origin: germline.
Comment: This sequence change replaces asparagine, which is neutral and polar, with aspartic acid, which is acidic and polar, at codon 319 of the CNTNAP1 protein (p.Asn319Asp). This variant is not present in population databases (gnomAD no frequency). This variant has not been reported in the literature in individuals affected with CNTNAP1-related conditions. ClinVar contains an entry for this variant (Variation ID: 1960041). An algorithm developed to predict the effect of missense changes on protein structure and function (PolyPhen-2) suggests that this variant is likely to be disruptive. In summary, the available evidence is currently insufficient to determine the role of this variant in disease. Therefore, it has been classified as a Variant of Uncertain Significance.